The following is an entry in ClinVar:

ClinVar aggregate classification (germline): Uncertain significance. Review status: criteria provided, multiple submitters, no conflicts (2 of 4 stars). 2 submissions from 2 submitters: Uncertain significance (2). Last evaluated 2026-04-08.

Conditions:
Retinoblastoma (RB1). Also called: RETINOBLASTOMA, SOMATIC. Identifiers: Orphanet 790, MedGen C0035335, MeSH D012175, MONDO:0008380, OMIM 180200, HP:0009919. Disease mechanism: loss of function. Inheritance: Both sporadic and heritable forms are tested..
Hereditary cancer-predisposing syndrome. Also called: Tumor predisposition; Neoplastic Syndromes, Hereditary; Hereditary Cancer Syndrome; Hereditary neoplastic syndrome. Identifiers: Orphanet 140162, MedGen C0027672, MeSH D009386, MONDO:0015356.

Allele frequency attached by ClinVar (database versions not stated): gnomAD exomes below 0.00001.

Submissions (2):

Ambry Genetics
Classification: Uncertain significance for Hereditary cancer-predisposing syndrome. Last evaluated: 2026-04-08. Review status: criteria provided, single submitter. Criteria: Ambry Variant Classification Scheme 2023. Collection method: clinical testing. Allele origin: germline.
Comment: The p.P231L variant (also known as c.692C>T), located in coding exon 7 of the RB1 gene, results from a C to T substitution at nucleotide position 692. The proline at codon 231 is replaced by leucine, an amino acid with similar properties. This amino acid position is highly conserved in available vertebrate species. In addition, this alteration is predicted to be deleterious by in silico analysis. Based on the available evidence, the clinical significance of this variant remains unclear.

Labcorp Genetics (formerly Invitae), Labcorp
Classification: Uncertain significance for Retinoblastoma. Last evaluated: 2021-09-20. Review status: criteria provided, single submitter. Criteria: Invitae Variant Classification Sherloc (09022015). Collection method: clinical testing. Allele origin: germline.
Comment: This sequence change replaces proline with leucine at codon 231 of the RB1 protein (p.Pro231Leu). The proline residue is highly conserved and there is a moderate physicochemical difference between proline and leucine. This variant is not present in population databases (ExAC no frequency). This variant has not been reported in the literature in individuals affected with RB1-related conditions. Algorithms developed to predict the effect of missense changes on protein structure and function are either unavailable or do not agree on the potential impact of this missense change (SIFT: "Deleterious"; PolyPhen-2: "Probably Damaging"; Align-GVGD: "Class C15"). In summary, the available evidence is currently insufficient to determine the role of this variant in disease. Therefore, it has been classified as a Variant of Uncertain Significance.

NM_000321.3(RB1):c.692C>T (p.Pro231Leu)

Gene: RB1 (RB transcriptional corepressor 1; plus strand). Cytogenetic location: 13q14.2.
Variant type: single nucleotide variant.
Coding change: c.692C>T on transcript NM_000321.3 (MANE Select); coding-DNA position 692, C replaced by T.
Protein change: p.Pro231Leu; replaces proline 231 with leucine.
Molecular consequence: missense variant.
Genome position (GRCh38, 1-based): chr13:48,360,101, C>T. VCF-style: chr13-48360101-C-T. GRCh37 (hg19) VCF-style: chr13-48934237-C-T.
Other names: c.692C>T (NM_000321.2); short protein forms P231L.
Identifiers: ClinVar variation 1444326 (VCV001444326.7), dbSNP rs2138107936, ClinGen allele CA388158523.